The following is an entry in ClinVar:

ClinVar aggregate classification (germline): Uncertain significance. Review status: criteria provided, multiple submitters, no conflicts (2 of 4 stars). 3 submissions from 3 submitters: Uncertain significance (3). Last evaluated 2024-03-31.

Conditions:
Inborn genetic diseases. Identifiers: MedGen C0950123, MeSH D030342.
Focal segmental glomerulosclerosis 5 (FSGS5). Identifiers: Orphanet 656, MedGen C2750475, MONDO:0013191, OMIM 613237.
Charcot-Marie-Tooth disease dominant intermediate E. Also called: CHARCOT-MARIE-TOOTH NEUROPATHY WITH FOCAL SEGMENTAL GLOMERULONEPHRITIS. Identifiers: Orphanet 93114, MedGen C4302667, MONDO:0013758, OMIM 614455.

Allele frequency attached by ClinVar (database versions not stated): gnomAD exomes below 0.00001.
gnomAD v4.1: 2 of 1,612,672 alleles (0.00012%); highest among the groups gnomAD compares: African/African-American, 0.0013%; no homozygotes.

Submissions (3):

Labcorp Genetics (formerly Invitae), Labcorp
Classification: Uncertain significance for Charcot-Marie-Tooth disease dominant intermediate E; Focal segmental glomerulosclerosis 5. Last evaluated: 2024-03-31. Review status: criteria provided, single submitter. Criteria: Invitae Variant Classification Sherloc (09022015). Collection method: clinical testing. Allele origin: germline.
Comment: This sequence change replaces aspartic acid, which is acidic and polar, with asparagine, which is neutral and polar, at codon 702 of the INF2 protein (p.Asp702Asn). This variant is not present in population databases (gnomAD no frequency). This variant has not been reported in the literature in individuals affected with INF2-related conditions. ClinVar contains an entry for this variant (Variation ID: 1785962). Advanced modeling of protein sequence and biophysical properties (such as structural, functional, and spatial information, amino acid conservation, physicochemical variation, residue mobility, and thermodynamic stability) performed at Invitae indicates that this missense variant is not expected to disrupt INF2 protein function with a negative predictive value of 95%. In summary, the available evidence is currently insufficient to determine the role of this variant in disease. Therefore, it has been classified as a Variant of Uncertain Significance.

Fulgent Genetics
Classification: Uncertain significance for Focal segmental glomerulosclerosis 5; Charcot-Marie-Tooth disease dominant intermediate E. Last evaluated: 2024-01-23. Review status: criteria provided, single submitter. Criteria: ACMG Guidelines, 2015. Collection method: clinical testing. Allele origin: germline.

Ambry Genetics
Classification: Uncertain significance for Inborn genetic diseases. Last evaluated: 2021-02-20. Review status: criteria provided, single submitter. Criteria: Ambry Variant Classification Scheme 2023. Collection method: clinical testing. Allele origin: germline.
Comment: The p.D702N variant (also known as c.2104G>A), located in coding exon 11 of the INF2 gene, results from a G to A substitution at nucleotide position 2104. The aspartic acid at codon 702 is replaced by asparagine, an amino acid with highly similar properties. This amino acid position is highly conserved in available vertebrate species. In addition, this alteration is predicted to be tolerated by in silico analysis. Since supporting evidence is limited at this time, the clinical significance of this alteration remains unclear.

NM_022489.4(INF2):c.2104G>A (p.Asp702Asn)

Gene: INF2 (inverted formin 2; plus strand). Cytogenetic location: 14q32.33.
Variant type: single nucleotide variant.
Coding change: c.2104G>A on transcript NM_022489.4 (MANE Select); coding-DNA position 2104, G replaced by A.
Protein change: p.Asp702Asn; replaces aspartic acid 702 with asparagine.
Molecular consequence: missense variant.
Genome position (GRCh38, 1-based): chr14:104,709,671, G>A. VCF-style: chr14-104709671-G-A. GRCh37 (hg19) VCF-style: chr14-105176008-G-A.
Other names: c.2104G>A, p.Asp702Asn (NM_001031714.4); short protein forms D702N.
Identifiers: ClinVar variation 1785962 (VCV001785962.8), dbSNP rs1889953149, ClinGen allele CA391220016.
Genomic context (GRCh38, chr14:104,709,671, plus strand): 5'-TCCTGGCAGATTGAAAACCTGCGGGCATTCACAGAGGAGCGAGCCAAGCTGGCCAGCGCC[G>A]ACCACTTCTACCTCCTCCTGCTGGCCATTCCCTGGTGAGCATGGCCGCCCTCAGACCCCA-3'
Protein context (NP_071934.3, residues 692-712): TEERAKLASA[Asp702Asn]HFYLLLLAIP